The following is an entry in ClinVar:

NM_003265.3(TLR3):c.1336G>A (p.Glu446Lys)

Gene: TLR3 (toll like receptor 3; plus strand). Cytogenetic location: 4q35.1.
Variant type: single nucleotide variant.
Coding change: c.1336G>A on transcript NM_003265.3 (MANE Select); coding-DNA position 1336, G replaced by A.
Protein change: p.Glu446Lys; replaces glutamic acid 446 with lysine.
Molecular consequence: missense variant.
Genome position (GRCh38, 1-based): chr4:186,083,022, G>A. VCF-style: chr4-186083022-G-A. GRCh37 (hg19) VCF-style: chr4-187004176-G-A.
Other names: short protein forms E446K.
Identifiers: ClinVar variation 2860368 (VCV002860368.3), dbSNP rs2478226089, ClinGen allele CA358931857.

ClinVar aggregate classification (germline): Uncertain significance (1 of 4 stars; one submission).

Conditions:
Encephalopathy, acute, infection-induced (herpes-specific), susceptibility to, 1. Also called: Herpes simplex encephalitis, susceptibility to, 1. Identifiers: Orphanet 1930, MedGen C2750180, MONDO:0024563, OMIM 610551.

Submission:

Labcorp Genetics (formerly Invitae), Labcorp
Classification: Uncertain significance for Encephalopathy, acute, infection-induced (herpes-specific), susceptibility to, 1. Last evaluated: 2023-04-28. Review status: criteria provided, single submitter. Criteria: Invitae Variant Classification Sherloc (09022015). Collection method: clinical testing. Allele origin: germline.
Comment: This sequence change replaces glutamic acid, which is acidic and polar, with lysine, which is basic and polar, at codon 446 of the TLR3 protein (p.Glu446Lys). This variant is not present in population databases (gnomAD no frequency). In summary, the available evidence is currently insufficient to determine the role of this variant in disease. Therefore, it has been classified as a Variant of Uncertain Significance. Algorithms developed to predict the effect of missense changes on protein structure and function output the following: SIFT: "Not Available"; PolyPhen-2: "Benign"; Align-GVGD: "Not Available". The lysine amino acid residue is found in multiple mammalian species, which suggests that this missense change does not adversely affect protein function. This variant has not been reported in the literature in individuals affected with TLR3-related conditions.